The following is an entry in ClinVar:

NM_000360.4(TH):c.448C>T (p.Gln150Ter)

Gene: TH (tyrosine hydroxylase; minus strand). Cytogenetic location: 11p15.5.
Variant type: single nucleotide variant.
Coding change: c.448C>T on transcript NM_000360.4 (MANE Select); coding-DNA position 448, C replaced by T.
Protein change: p.Gln150Ter; replaces glutamine 150 with a stop codon.
Molecular consequence: nonsense.
Genome position (GRCh38, 1-based): chr11:2,168,530, G>A on the plus strand (C>T on the coding strand, the complement: TH is on the minus strand). VCF-style: chr11-2168530-G-A. GRCh37 (hg19) VCF-style: chr11-2189760-G-A.
Other names: c.541C>T, p.Gln181Ter (NM_199292.3); c.529C>T, p.Gln177Ter (NM_199293.3); short protein forms Q150*, Q177*, Q181*.
Identifiers: ClinVar variation 691995 (VCV000691995.3), dbSNP rs1590169710, ClinGen allele CA379128885.
Genomic context (GRCh38, chr11:2,168,530, plus strand): 5'-AAGGACAGAAAACCGCCTCACCCTTGGGCCCCGCGGGGCTGCGCACGTCCTCTGACACCT[G>A]GCGCACACCACTGAGCAGGGCGGCCAGGTCCCCTCGGCGCACCTCGAGGCGCACGAAGTA-3'

ClinVar aggregate classification (germline): Pathogenic. Review status: criteria provided, multiple submitters, no conflicts (2 of 4 stars). 2 submissions from 2 submitters: Pathogenic (2). Last evaluated 2025-05-05.

Conditions:
TH-deficient dopa-responsive dystonia. Also called: Tyrosine Hydroxylase-Deficient Dopa-Responsive Dystonia; DYT-TH; Segawa syndrome, autosomal recessive. Identifiers: Orphanet 101150, MedGen C2673535, MONDO:0011551, OMIM 605407.
Dystonic disorder. Also called: Dystonia. Identifiers: MedGen C0013421, MONDO:0003441, HP:0001332.

Submissions (2):

Natera, Inc.
Classification: Pathogenic for Autosomal recessive Segawa syndrome. Last evaluated: 2025-05-05. Review status: criteria provided, single submitter. Criteria: Natera Variant Classification Schema (03/2026). Collection method: clinical testing. Allele origin: germline.
Comment: The c.541C>T variant in TH is a nonsense variant predicted to introduce a stop codon at amino acid 181. This variant is expected to result in nonsense mediated decay, truncation, or a dysfunctional protein product. This variant is rare in the general population with a frequency below the threshold expected for the associated phenotype(s). This variant has been observed in one or more individuals affected with the associated recessive disease, as either homozygous or compound heterozygous with a second variant (PMID: 31019026). Given the available evidence, this variant is classified as Pathogenic.

Rady Children's Institute for Genomic Medicine, Rady Children's Hospital San Diego
Classification: Pathogenic for Dystonia. Last evaluated: 2017-08-31. Review status: criteria provided, single submitter. Criteria: ACMG Guidelines, 2015. Collection method: clinical testing. Allele origin: germline. Affected: yes. Observed: 1 variant allele.
Comment: This variant has not been previously reported in the literature to our knowledge, and is presumed rare due to its absence in public databases of healthy adults. It results in a stop gain and early termination of the protein. Based on the available evidence, this variant is classified as pathogenic.

Literature cited by the submitters: PubMed 31019026 (cited by Natera, Inc.).